The following is an entry in ClinVar:

ClinVar aggregate classification (germline): Uncertain significance (1 of 4 stars; one submission).

Submissions (2):

GeneDx
Classification: Uncertain significance. Last evaluated: 2024-08-19. Review status: criteria provided, single submitter. Criteria: GeneDx Variant Classification Process June 2021. Collection method: clinical testing. Allele origin: germline. Affected: yes.
Comment: Has not been previously published as pathogenic or benign to our knowledge; Canonical splice site variant in a gene for which loss-of-function is not an established mechanism of disease

Dr. Peter K. Rogan Lab, Western University
No classification provided (evidence only). Condition: Thyroid cancer, nonmedullary, 1. Review status: no classification provided. Collection method: in vitro. Allele origin: not applicable. Functional consequence: skipped exon. Not counted in ClinVar's aggregate classification.

NM_014915.3(ANKRD26):c.1986-2A>T

Gene: ANKRD26 (ankyrin repeat domain containing 26; minus strand). Cytogenetic location: 10p12.1.
Variant type: single nucleotide variant.
Coding change: c.1986-2A>T on transcript NM_014915.3 (MANE Select); the canonical splice acceptor site of the intron before coding-DNA position 1986, A replaced by T.
Molecular consequence: splice acceptor variant.
Genome position (GRCh38, 1-based): chr10:27,044,192, T>A on the plus strand (A>T on the coding strand, the complement: ANKRD26 is on the minus strand). VCF-style: chr10-27044192-T-A. GRCh37 (hg19) VCF-style: chr10-27333121-T-A.
Other names: NC_000010.10:g.27333121T>A; c.1983-2A>T (NM_001256053.2).
Identifiers: ClinVar variation 3764161 (VCV003764161.2).